The following is an entry in ClinVar:

ClinVar aggregate classification (germline): Conflicting classifications of pathogenicity. Review status: criteria provided, conflicting classifications (1 of 4 stars). 4 submissions from 4 submitters: Uncertain significance (1); Benign (1); Likely benign (2). Last evaluated 2026-01-21.

Allele frequency attached by ClinVar (database versions not stated): gnomAD exomes 0.00003 and 0.00025; ExAC 0.00016; TOPMed 0.00019; gnomAD 0.00023; 1000 Genomes Project 0.00040; 1000 Genomes Project 30x 0.00047.
gnomAD v4.1: 118 of 1,613,796 alleles (0.0073%); highest among the groups gnomAD compares: East Asian, 0.14%; 1 homozygote.

Submissions (4):

Labcorp Genetics (formerly Invitae), Labcorp
Classification: Likely benign. Last evaluated: 2026-01-21. Review status: criteria provided, single submitter. Criteria: Invitae Variant Classification Sherloc (09022015). Collection method: clinical testing. Allele origin: germline.

Ambry Genetics
Classification: Uncertain significance. Last evaluated: 2025-09-17. Review status: criteria provided, single submitter. Criteria: Ambry Variant Classification Scheme 2023. Collection method: clinical testing. Allele origin: germline.
Comment: The p.Q1340K variant (also known as c.4018C>A), located in coding exon 31 of the A2ML1 gene, results from a C to A substitution at nucleotide position 4018. The glutamine at codon 1340 is replaced by lysine, an amino acid with similar properties. This amino acid position is conserved. In addition, this alteration is predicted to be tolerated by in silico analysis. Since supporting evidence is limited at this time, the clinical significance of this alteration remains unclear.

Women's Health and Genetics/Laboratory Corporation of America, LabCorp
Classification: Likely benign. Last evaluated: 2022-05-28. Review status: criteria provided, single submitter. Criteria: LabCorp Variant Classification Summary - May 2015. Collection method: clinical testing. Allele origin: germline.

GeneDx
Classification: Benign. Last evaluated: 2019-09-20. Review status: criteria provided, single submitter. Criteria: GeneDx Variant Classification Process June 2021. Collection method: clinical testing. Allele origin: germline. Affected: yes.

NM_144670.6(A2ML1):c.4018C>A (p.Gln1340Lys)

Gene: A2ML1 (alpha-2-macroglobulin like 1; plus strand). Cytogenetic location: 12p13.31.
Variant type: single nucleotide variant.
Coding change: c.4018C>A on transcript NM_144670.6 (MANE Select); coding-DNA position 4018, C replaced by A.
Protein change: p.Gln1340Lys; replaces glutamine 1340 with lysine.
Molecular consequence: missense variant.
Genome position (GRCh38, 1-based): chr12:8,868,314, C>A. VCF-style: chr12-8868314-C-A. GRCh37 (hg19) VCF-style: chr12-9020910-C-A.
Other names: c.2545C>A, p.Gln849Lys (NM_001282424.3); short protein forms Q1340K, Q849K.
Identifiers: ClinVar variation 561961 (VCV000561961.18), dbSNP rs182743597, ClinGen allele CA6436551.